The following is an entry in ClinVar:

NM_000384.3(APOB):c.814_816del (p.Tyr272del)

Gene: APOB (apolipoprotein B; minus strand). Cytogenetic location: 2p24.1.
Variant type: Deletion.
Coding change: c.814_816del on transcript NM_000384.3 (MANE Select); coding-DNA positions 814 to 816, 3 bases deleted (TAC; older notation c.814_816delTAC).
Protein change: p.Tyr272del; deletes tyrosine 272.
Molecular consequence: inframe deletion.
Genome position (GRCh38, 1-based): chr2:21,035,586-21,035,588, GTA deleted on the plus strand (TAC on the coding strand, the reverse complement: APOB is on the minus strand); deleting any 3 consecutive bases within chr2:21,035,586-21,035,589 gives the same sequence; the c. name uses the placement nearest the transcript's 3' end. VCF-style (leftmost placement, unchanged base first): chr2-21035585-TGTA-T. GRCh37 (hg19) VCF-style: chr2-21258457-TGTA-T.
Other names: short protein forms Y272del.
Identifiers: ClinVar variation 523718 (VCV000523718.1), dbSNP rs1553386960, ClinGen allele CA658795338.

ClinVar aggregate classification (germline): Uncertain significance (1 of 4 stars; one submission).

Conditions:
Hypercholesterolemia, familial, 1. Also called: LDL RECEPTOR DISORDER; Hyperlipoproteinemia Type IIa; HYPER-LOW-DENSITY-LIPOPROTEINEMIA; HYPERCHOLESTEROLEMIC XANTHOMATOSIS, FAMILIAL; Fredrickson type IIa hyperlipoproteinemia; Hyperlipoproteinemia type 2. Identifiers: Orphanet 391665, MedGen C0745103, MONDO:0007750, OMIM 143890.

Submission:

Iberoamerican FH Network
Classification: Uncertain significance for Familial hypercholesterolemia. Last evaluated: 2016-03-01. Review status: criteria provided, single submitter. Criteria: ACMG Guidelines, 2015. Collection method: research. Allele origin: germline.
Comment: Variant present in the database from Argentina